The following is an entry in ClinVar:

NM_000098.3(CPT2):c.1124G>A (p.Gly375Asp)

Gene: CPT2 (carnitine palmitoyltransferase 2; plus strand). Cytogenetic location: 1p32.3.
Variant type: single nucleotide variant.
Coding change: c.1124G>A on transcript NM_000098.3 (MANE Select); coding-DNA position 1124, G replaced by A.
Protein change: p.Gly375Asp; replaces glycine 375 with aspartic acid.
Molecular consequence: missense variant.
Genome position (GRCh38, 1-based): chr1:53,210,798, G>A. VCF-style: chr1-53210798-G-A. GRCh37 (hg19) VCF-style: chr1-53676470-G-A.
Other names: c.1124G>A, p.Gly375Asp (NM_001330589.2); short protein forms G375D.
Identifiers: ClinVar variation 580938 (VCV000580938.10), dbSNP rs772843417, ClinGen allele CA340394569.
Genomic context (GRCh38, chr1:53,210,798, plus strand): 5'-CCTTTAACCTCATTATCGCCAAGGATGGCTCTACTGCCGTCCACTTTGAGCACTCTTGGG[G>A]TGATGGTGTGGCAGTGCTCAGATTTTTTAATGAAGTATTTAAAGACAGCACTCAGACCCC-3'
Protein context (NP_000089.1, residues 365-385): STAVHFEHSW[Gly375Asp]DGVAVLRFFN

ClinVar aggregate classification (germline): Uncertain significance (1 of 4 stars; one submission).

Conditions:
Carnitine palmitoyltransferase II deficiency. Also called: Carnitine Palmitoyltransferase 2 Deficiency. Identifiers: Orphanet 157, MedGen C0342790, MONDO:0015515.

Submission:

Labcorp Genetics (formerly Invitae), Labcorp
Classification: Uncertain significance for Carnitine palmitoyltransferase II deficiency. Last evaluated: 2019-05-21. Review status: criteria provided, single submitter. Criteria: Invitae Variant Classification Sherloc (09022015). Collection method: clinical testing. Allele origin: germline.
Comment: This sequence change replaces glycine with aspartic acid at codon 375 of the CPT2 protein (p.Gly375Asp). The glycine residue is highly conserved and there is a moderate physicochemical difference between glycine and aspartic acid. This variant is not present in population databases (ExAC no frequency). This variant has not been reported in the literature in individuals with CPT2-related disease. Algorithms developed to predict the effect of missense changes on protein structure and function do not agree on the potential impact of this missense change (SIFT: "Tolerated"; PolyPhen-2: "Probably Damaging"; Align-GVGD: "Class C15"). In summary, the available evidence is currently insufficient to determine the role of this variant in disease. Therefore, it has been classified as a Variant of Uncertain Significance.